The following is an entry in ClinVar:

ClinVar aggregate classification (germline): Benign/Likely benign. Review status: criteria provided, multiple submitters, no conflicts (2 of 4 stars). 3 submissions from 3 submitters: Benign (2); Likely benign (1). Last evaluated 2023-03-01.

Allele frequency attached by ClinVar (database versions not stated): 1000 Genomes Project 0.00080; 1000 Genomes Project 30x 0.00094; gnomAD 0.00289 and 0.00292; TOPMed 0.00292; gnomAD exomes 0.00315 and 0.00341; ESP Exome Variant Server 0.00361; ExAC 0.00376.
gnomAD v4.1: 5,376 of 1,586,894 alleles (0.34%); highest among the groups gnomAD compares: Middle Eastern, 2.3%; 15 homozygotes.

Submissions (3):

CeGaT Center for Human Genetics Tuebingen
Classification: Likely benign. Last evaluated: 2023-03-01. Review status: criteria provided, single submitter. Criteria: CeGaT Center For Human Genetics Tuebingen Variant Classification Criteria Version 2. Collection method: clinical testing. Allele origin: germline. Affected: yes. Observed: 1 variant allele.
Comment: CDC27: BP4, BS2

Labcorp Genetics (formerly Invitae), Labcorp
Classification: Benign. Last evaluated: 2018-03-01. Review status: criteria provided, single submitter. Criteria: Invitae Variant Classification Sherloc (09022015). Collection method: clinical testing. Allele origin: germline.

Breakthrough Genomics
Classification: Benign. Review status: criteria provided, single submitter. Criteria: ACMG Guidelines, 2015. Collection method: not provided. Allele origin: germline. Inheritance: Unknown mechanism. Affected: yes.

NM_001256.6(CDC27):c.858A>G (p.Pro286=)

Gene: CDC27 (cell division cycle 27; minus strand). Cytogenetic location: 17q21.32.
Variant type: single nucleotide variant.
Coding change: c.858A>G on transcript NM_001256.6 (MANE Select); coding-DNA position 858, A replaced by G.
Protein change: p.Pro286=; no amino-acid change (proline 286 retained).
Molecular consequence: synonymous variant. On other transcripts: 5 prime UTR variant (1), non-coding transcript variant (1).
Genome position (GRCh38, 1-based): chr17:47,154,771, T>C on the plus strand (A>G on the coding strand, the complement: CDC27 is on the minus strand). VCF-style: chr17-47154771-T-C. GRCh37 (hg19) VCF-style: chr17-45232137-T-C.
Other names: c.858A>G, p.Pro286= (NM_001114091.4, NM_001293089.3, NM_001353035.2 and 1 more transcripts); c.675A>G, p.Pro225= (NM_001293091.3, NM_001353049.2); c.549A>G, p.Pro183= (NM_001353050.2); c.-334A>G (NM_001353051.2).
Identifiers: ClinVar variation 782550 (VCV000782550.28), dbSNP rs61749925, ClinGen allele CA8622228.